The following is an entry in ClinVar:

ClinVar aggregate classification (germline): Uncertain significance (1 of 4 stars; one submission).

Conditions:
Autoimmune interstitial lung disease-arthritis syndrome. Also called: Autoinflammation and autoimmunity, systemic, with immune dysregulation. Identifiers: Orphanet 444092, MedGen C5975714, MONDO:0014629.

Allele frequency attached by ClinVar (database versions not stated): gnomAD exomes below 0.00001; TOPMed below 0.00001.
gnomAD v4.1: 2 of 1,614,192 alleles (0.00012%); highest among the groups gnomAD compares: Non-Finnish European, 0.00017%; no homozygotes.

Submission:

Labcorp Genetics (formerly Invitae), Labcorp
Classification: Uncertain significance for Autoimmune interstitial lung disease-arthritis syndrome. Last evaluated: 2024-11-05. Review status: criteria provided, single submitter. Criteria: Invitae Variant Classification Sherloc (09022015). Collection method: clinical testing. Allele origin: germline.
Comment: This sequence change replaces alanine, which is neutral and non-polar, with valine, which is neutral and non-polar, at codon 422 of the COPA protein (p.Ala422Val). This variant is not present in population databases (gnomAD no frequency). This variant has not been reported in the literature in individuals affected with COPA-related conditions. ClinVar contains an entry for this variant (Variation ID: 1418843). Invitae Evidence Modeling of protein sequence and biophysical properties (such as structural, functional, and spatial information, amino acid conservation, physicochemical variation, residue mobility, and thermodynamic stability) indicates that this missense variant is expected to disrupt COPA protein function with a positive predictive value of 80%. In summary, the available evidence is currently insufficient to determine the role of this variant in disease. Therefore, it has been classified as a Variant of Uncertain Significance.

NM_004371.4(COPA):c.1265C>T (p.Ala422Val)

Gene: COPA (coat protein complex I subunit alpha; minus strand). Cytogenetic location: 1q23.2.
Variant type: single nucleotide variant.
Coding change: c.1265C>T on transcript NM_004371.4 (MANE Select); coding-DNA position 1265, C replaced by T.
Protein change: p.Ala422Val; replaces alanine 422 with valine.
Molecular consequence: missense variant.
Genome position (GRCh38, 1-based): chr1:160,307,200, G>A on the plus strand (C>T on the coding strand, the complement: COPA is on the minus strand). VCF-style: chr1-160307200-G-A. GRCh37 (hg19) VCF-style: chr1-160276990-G-A.
Other names: c.1265C>T, p.Ala422Val (NM_001098398.2); short protein forms A422V.
Identifiers: ClinVar variation 1418843 (VCV001418843.6), dbSNP rs1658816918, ClinGen allele CA343257296.